The following is an entry in ClinVar:

ClinVar aggregate classification (germline): Uncertain significance (1 of 4 stars; one submission).

Conditions:
Hereditary breast ovarian cancer syndrome. Also called: Hereditary breast and ovarian cancer syndrome; Hereditary breast and ovarian cancer syndrome (HBOC); BRCA1- and BRCA2-Associated Hereditary Breast and Ovarian Cancer; Hereditary breast and ovarian cancer; Breast and ovarian cancer; Hereditary breast and/or ovarian cancer syndrome. Identifiers: Orphanet 145, MedGen C0677776, MeSH D061325, MONDO:0003582. Disease mechanism: loss of function.

Submission:

Labcorp Genetics (formerly Invitae), Labcorp
Classification: Uncertain significance for Hereditary breast ovarian cancer syndrome. Last evaluated: 2024-05-28. Review status: criteria provided, single submitter. Criteria: Invitae Variant Classification Sherloc (09022015). Collection method: clinical testing. Allele origin: germline.
Comment: This sequence change replaces threonine, which is neutral and polar, with serine, which is neutral and polar, at codon 774 of the BRCA2 protein (p.Thr774Ser). This variant is not present in population databases (gnomAD no frequency). This variant has not been reported in the literature in individuals affected with BRCA2-related conditions. Advanced modeling of protein sequence and biophysical properties (such as structural, functional, and spatial information, amino acid conservation, physicochemical variation, residue mobility, and thermodynamic stability) performed at Invitae indicates that this missense variant is not expected to disrupt BRCA2 protein function with a negative predictive value of 95%. In summary, the available evidence is currently insufficient to determine the role of this variant in disease. Therefore, it has been classified as a Variant of Uncertain Significance.

NM_000059.4(BRCA2):c.2321C>G (p.Thr774Ser)

Gene: BRCA2 (BRCA2 DNA repair associated; plus strand). Cytogenetic location: 13q13.1.
Variant type: single nucleotide variant.
Coding change: c.2321C>G on transcript NM_000059.4 (MANE Select); coding-DNA position 2321, C replaced by G.
Protein change: p.Thr774Ser; replaces threonine 774 with serine.
Molecular consequence: missense variant. On other transcripts: non-coding transcript variant (1), intron variant (2).
Genome position (GRCh38, 1-based): chr13:32,336,676, C>G. VCF-style: chr13-32336676-C-G. GRCh37 (hg19) VCF-style: chr13-32910813-C-G.
Other names: c.2321C>G, p.Thr774Ser (NM_001406719.1, NM_001406720.1, NM_001432077.1); c.1909+3289C>G (NM_001406721.1); c.424+5646C>G (NM_001406722.1); short protein forms T774S.
Identifiers: ClinVar variation 3636440 (VCV003636440.2).
Genomic context (GRCh38, chr13:32,336,676, plus strand): 5'-AATCCCAGAAAAGTCTTTTATATGATCATGAAAATGCCAGCACTCTTATTTTAACTCCTA[C>G]TTCCAAGGATGTTCTGTCAAACCTAGTCATGATTTCTAGAGGCAAAGAATCATACAAAAT-3'
Protein context (NP_000050.3, residues 764-784): ENASTLILTP[Thr774Ser]SKDVLSNLVM